The following is an entry in ClinVar:

NM_000075.4(CDK4):c.684-14C>T

Genes: CDK4 (cyclin dependent kinase 4; minus strand), TSPAN31 (tetraspanin 31; plus strand). Cytogenetic location: 12q14.1.
Variant type: single nucleotide variant.
Coding change: c.684-14C>T on transcript NM_000075.4 (MANE Select); 14 bases into the intron before coding-DNA position 684, C replaced by T.
Molecular consequence: intron variant. On other transcripts: 3 prime UTR variant (3).
Genome position (GRCh38, 1-based): chr12:57,749,331, G>A on the plus strand (C>T on the coding strand, the complement: CDK4 is on the minus strand). VCF-style: chr12-57749331-G-A. GRCh37 (hg19) VCF-style: chr12-58143114-G-A.
Other names: c.*2041G>A (NM_001330168.2, NM_001330169.2, NM_005981.5).
Identifiers: ClinVar variation 1636140 (VCV001636140.9), dbSNP rs750471090, ClinGen allele CA6657708.
Genomic context (GRCh38, chr12:57,749,331, plus strand): 5'-GGGATACATCTCGAGGCCAGTCATCCTCTGGAGGCAGCCCAATCAGGCTGTGGGGGACAG[G>A]AGAACTCTGGTCAGGAGGGTCCTCCAGTTCCCATCCCCATGGGCAGAGCCAGTTGCCATC-3'

ClinVar aggregate classification (germline): Likely benign. Review status: criteria provided, multiple submitters, no conflicts (2 of 4 stars). 2 submissions from 2 submitters: Likely benign (2). Last evaluated 2025-07-30.

Conditions:
Familial melanoma. Also called: Hereditary melanoma; Hereditary cutaneous melanoma. Identifiers: Orphanet 618, MedGen C1512419, MONDO:0018961.
Melanoma, cutaneous malignant, susceptibility to, 3. Also called: Cutaneous malignant melanoma 3. Identifiers: Orphanet 618, MedGen C1836892, MONDO:0012183, OMIM 609048.

Allele frequency attached by ClinVar (database versions not stated): gnomAD exomes below 0.00001 and 0.00001; gnomAD 0.00001; ExAC 0.00002.
gnomAD v4.1: 6 of 1,614,070 alleles (0.00037%); highest among the groups gnomAD compares: East Asian, 0.0067%; no homozygotes.

Submissions (2):

Labcorp Genetics (formerly Invitae), Labcorp
Classification: Likely benign for Familial melanoma. Last evaluated: 2025-07-30. Review status: criteria provided, single submitter. Criteria: Invitae Variant Classification Sherloc (09022015). Collection method: clinical testing. Allele origin: germline.

Myriad Genetics, Inc.
Classification: Likely benign for Melanoma, cutaneous malignant, susceptibility to, 3. Last evaluated: 2024-09-26. Review status: criteria provided, single submitter. Criteria: Myriad Autosomal Dominant, Autosomal Recessive and X-Linked Classification Criteria (2023). Collection method: clinical testing. Allele origin: unknown.
Comment: This variant is considered likely benign. This variant is intronic and is not expected to impact mRNA splicing.